The following is an entry in ClinVar:

NM_022089.4(ATP13A2):c.218T>C (p.Val73Ala)

Gene: ATP13A2 (ATPase cation transporting 13A2; minus strand). Cytogenetic location: 1p36.13.
Variant type: single nucleotide variant.
Coding change: c.218T>C on transcript NM_022089.4 (MANE Select); coding-DNA position 218, T replaced by C.
Protein change: p.Val73Ala; replaces valine 73 with alanine.
Molecular consequence: missense variant.
Genome position (GRCh38, 1-based): chr1:17,005,444, A>G on the plus strand (T>C on the coding strand, the complement: ATP13A2 is on the minus strand). VCF-style: chr1-17005444-A-G. GRCh37 (hg19) VCF-style: chr1-17331939-A-G.
Other names: c.218T>C, p.Val73Ala (NM_001141973.3, NM_001141974.3); short protein forms V73A.
Identifiers: ClinVar variation 2185980 (VCV002185980.1), dbSNP rs756478512, ClinGen allele CA637729.
Genomic context (GRCh38, chr1:17,005,444, plus strand): 5'-CTTATTTCGATAACGAGTGTTTCGGCGTGGGCCAGGTTGCAGGGCCGGAGCCGCAGCCGC[A>G]CCCCCCACAGGGGCTTCCAACGGAAGAGCAGCAAAGGGATCCCAGCCATCATCCAGACCA-3'
Protein context (NP_071372.1, residues 63-83): LLFRWKPLWG[Val73Ala]RLRLRPCNLA

ClinVar aggregate classification (germline): Uncertain significance (1 of 4 stars; one submission).

Conditions:
Kufor-Rakeb syndrome (KRS). Also called: PARKINSON DISEASE 9, AUTOSOMAL RECESSIVE, JUVENILE-ONSET. Identifiers: Orphanet 306674, Orphanet 314632, MedGen C1847640, MONDO:0011706, OMIM 606693.
Autosomal recessive spastic paraplegia type 78. Identifiers: Orphanet 513436, MedGen C5567893, MONDO:0014975, OMIM 617225.

Allele frequency attached by ClinVar (database versions not stated): gnomAD exomes 0.00001; ExAC 0.00003; TOPMed 0.00003.
gnomAD v4.1: 8 of 1,613,828 alleles (0.0005%); highest among the groups gnomAD compares: Admixed American, 0.012%; no homozygotes.

Submission:

Labcorp Genetics (formerly Invitae), Labcorp
Classification: Uncertain significance for Kufor-Rakeb syndrome; Autosomal recessive spastic paraplegia type 78. Last evaluated: 2022-10-17. Review status: criteria provided, single submitter. Criteria: Invitae Variant Classification Sherloc (09022015). Collection method: clinical testing. Allele origin: germline.
Comment: This sequence change replaces valine, which is neutral and non-polar, with alanine, which is neutral and non-polar, at codon 73 of the ATP13A2 protein (p.Val73Ala). This variant is present in population databases (rs756478512, gnomAD 0.02%). This variant has not been reported in the literature in individuals affected with ATP13A2-related conditions. Advanced modeling of protein sequence and biophysical properties (such as structural, functional, and spatial information, amino acid conservation, physicochemical variation, residue mobility, and thermodynamic stability) performed at Invitae indicates that this missense variant is not expected to disrupt ATP13A2 protein function. In summary, the available evidence is currently insufficient to determine the role of this variant in disease. Therefore, it has been classified as a Variant of Uncertain Significance.